The following is an entry in ClinVar:

NM_182931.3(KMT2E):c.4328C>T (p.Pro1443Leu)

Gene: KMT2E (lysine methyltransferase 2E (inactive); plus strand). Cytogenetic location: 7q22.3.
Variant type: single nucleotide variant.
Coding change: c.4328C>T on transcript NM_182931.3 (MANE Select); coding-DNA position 4328, C replaced by T.
Protein change: p.Pro1443Leu; replaces proline 1443 with leucine.
Molecular consequence: missense variant.
Genome position (GRCh38, 1-based): chr7:105,112,084, C>T. VCF-style: chr7-105112084-C-T. GRCh37 (hg19) VCF-style: chr7-104752531-C-T.
Other names: c.4328C>T (NM_182931.2); c.4202C>T, p.Pro1401Leu (NM_001410908.1); c.4328C>T, p.Pro1443Leu (NM_018682.4); short protein forms P1401L, P1443L.
Identifiers: ClinVar variation 1984807 (VCV001984807.5), dbSNP rs1799320688, ClinGen allele CA368792438.

ClinVar aggregate classification (germline): Uncertain significance. Review status: criteria provided, multiple submitters, no conflicts (2 of 4 stars). 2 submissions from 2 submitters: Uncertain significance (2). Last evaluated 2025-03-18.

Conditions:
Inborn genetic diseases. Identifiers: MedGen C0950123, MeSH D030342.

Allele frequency attached by ClinVar (database versions not stated): TOPMed below 0.00001.
gnomAD v4.1: 9 of 1,614,164 alleles (0.00056%); highest among the groups gnomAD compares: East Asian, 0.02%; no homozygotes.

Submissions (2):

Ambry Genetics
Classification: Uncertain significance for Inborn genetic diseases. Last evaluated: 2025-03-18. Review status: criteria provided, single submitter. Criteria: Ambry Variant Classification Scheme 2023. Collection method: clinical testing. Allele origin: germline.

Labcorp Genetics (formerly Invitae), Labcorp
Classification: Uncertain significance. Last evaluated: 2023-07-07. Review status: criteria provided, single submitter. Criteria: Invitae Variant Classification Sherloc (09022015). Collection method: clinical testing. Allele origin: germline.
Comment: Advanced modeling of protein sequence and biophysical properties (such as structural, functional, and spatial information, amino acid conservation, physicochemical variation, residue mobility, and thermodynamic stability) performed at Invitae indicates that this missense variant is not expected to disrupt KMT2E protein function. In summary, the available evidence is currently insufficient to determine the role of this variant in disease. Therefore, it has been classified as a Variant of Uncertain Significance. ClinVar contains an entry for this variant (Variation ID: 1984807). This sequence change replaces proline, which is neutral and non-polar, with leucine, which is neutral and non-polar, at codon 1443 of the KMT2E protein (p.Pro1443Leu). This variant is not present in population databases (gnomAD no frequency). This variant has not been reported in the literature in individuals affected with KMT2E-related conditions.